The following is an entry in ClinVar:

ClinVar aggregate classification (germline): Likely pathogenic (1 of 4 stars; one submission).

Conditions:
Mitochondrial complex II deficiency, nuclear type 1. Also called: SUCCINATE CoQ REDUCTASE DEFICIENCY. Identifiers: Orphanet 3208, MedGen C5700310, MONDO:0100294, OMIM 252011.
Pheochromocytoma/paraganglioma syndrome 5. Also called: Paragangliomas 5; SDHA-Related Hereditary Paraganglioma-Pheochromocytoma Syndrome. Identifiers: Orphanet 29072, MedGen C3279992, MONDO:0013602, OMIM 614165.

gnomAD v4.1: 3 of 1,559,202 alleles (0.00019%); highest among the groups gnomAD compares: Non-Finnish European, 0.00027%; no homozygotes.

Submission:

Labcorp Genetics (formerly Invitae), Labcorp
Classification: Likely pathogenic for Pheochromocytoma/paraganglioma syndrome 5; Mitochondrial complex II deficiency, nuclear type 1. Last evaluated: 2024-08-27. Review status: criteria provided, single submitter. Criteria: Invitae Variant Classification Sherloc (09022015). Collection method: clinical testing. Allele origin: germline.
Comment: This sequence change affects an acceptor splice site in intron 10 of the SDHA gene. It is expected to disrupt RNA splicing. Variants that disrupt the donor or acceptor splice site typically lead to a loss of protein function (PMID: 16199547), and loss-of-function variants in SDHA are known to be pathogenic (PMID: 22974104, 24781757). This variant is not present in population databases (gnomAD no frequency). This variant has not been reported in the literature in individuals affected with SDHA-related conditions. RNA analysis provides insufficient evidence to determine the effect of this variant on SDHA splicing (internal data). In summary, the currently available evidence indicates that the variant is pathogenic, but additional data are needed to prove that conclusively. Therefore, this variant has been classified as Likely Pathogenic.

Literature cited by the submitters: PubMed 16199547; PubMed 22974104; PubMed 24781757.

NM_004168.4(SDHA):c.1433-1G>A

Gene: SDHA (succinate dehydrogenase complex flavoprotein subunit A; plus strand). Cytogenetic location: 5p15.33.
Variant type: single nucleotide variant.
Coding change: c.1433-1G>A on transcript NM_004168.4 (MANE Select); the canonical splice acceptor site of the intron before coding-DNA position 1433, G replaced by A.
Molecular consequence: splice acceptor variant.
Genome position (GRCh38, 1-based): chr5:240,357, G>A. VCF-style: chr5-240357-G-A. GRCh37 (hg19) VCF-style: chr5-240472-G-A.
Other names: c.1433-1G>A (NM_001330758.2); c.1289-1G>A (NM_001294332.2).
Identifiers: ClinVar variation 3757798 (VCV003757798.2).
Genomic context (GRCh38, chr5:240,357, plus strand): 5'-AATCCATTTGGTTTTTTAAAACGGTTTTCAAAAGTTAAATTCTAGCTTTTTTTTGTTTTA[G>A]GAGATAAAGTCCCTCCAATTAAACCAAACGCTGGGGAAGAATCTGTCATGAATCTTGACA-3'